The following is an entry in ClinVar:

ClinVar aggregate classification (germline): Uncertain significance (1 of 4 stars; one submission).

Submission:

Ambry Genetics
Classification: Uncertain significance. Last evaluated: 2025-05-07. Review status: criteria provided, single submitter. Criteria: Ambry Variant Classification Scheme 2023. Collection method: clinical testing. Allele origin: germline.
Comment: The p.P63L variant (also known as c.188C>T), located in coding exon 1 of the GALNT12 gene, results from a C to T substitution at nucleotide position 188. The proline at codon 63 is replaced by leucine, an amino acid with similar properties. This amino acid position is conserved on limited sequence alignment. In addition, this alteration is predicted to be tolerated by in silico analysis. Since supporting evidence is limited at this time, the clinical significance of this alteration remains unclear.

NM_024642.5(GALNT12):c.188C>T (p.Pro63Leu)

Gene: GALNT12 (polypeptide N-acetylgalactosaminyltransferase 12; plus strand). Cytogenetic location: 9q22.33.
Variant type: single nucleotide variant.
Coding change: c.188C>T on transcript NM_024642.5 (MANE Select); coding-DNA position 188, C replaced by T.
Protein change: p.Pro63Leu; replaces proline 63 with leucine.
Molecular consequence: missense variant.
Genome position (GRCh38, 1-based): chr9:98,807,886, C>T. VCF-style: chr9-98807886-C-T. GRCh37 (hg19) VCF-style: chr9-101570168-C-T.
Other names: short protein forms P63L.
Identifiers: ClinVar variation 1782042 (VCV001782042.4), dbSNP rs1481280788, ClinGen allele CA374222486.
Genomic context (GRCh38, chr9:98,807,886, plus strand): 5'-CCGGGGCCGGGGCTGCCGAGCCGGGACCCCCGCGCACCCCGCGCCCCGGGCGGCGCGAGC[C>T]GGTCATGCCGCGGCCGCCGGTGCCGGCGAACGCGCTGGGCGCGCGGGGCGAGGCGGTGCG-3'
Protein context (NP_078918.3, residues 53-73): PRTPRPGRRE[Pro63Leu]VMPRPPVPAN